The following is an entry in ClinVar:

ClinVar aggregate classification (germline): Pathogenic (1 of 4 stars; one submission).

Allele frequency attached by ClinVar (database versions not stated): gnomAD 0.00001; TOPMed 0.00001.
gnomAD v4.1: 53 of 1,612,322 alleles (0.0033%); highest among the groups gnomAD compares: Non-Finnish European, 0.0043%; no homozygotes.

Submission:

Labcorp Genetics (formerly Invitae), Labcorp
Classification: Pathogenic. Last evaluated: 2021-10-22. Review status: criteria provided, single submitter. Criteria: Invitae Variant Classification Sherloc (09022015). Collection method: clinical testing. Allele origin: germline.
Comment: This sequence change creates a premature translational stop signal (p.Arg23*) in the RBP4 gene. It is expected to result in an absent or disrupted protein product. Loss-of-function variants in RBP4 are known to be pathogenic (PMID: 23189188, 26974396, 28041643). This variant is not present in population databases (ExAC no frequency). This premature translational stop signal has been observed in individual(s) with retinitis pigmentosa (PMID: 32323592). For these reasons, this variant has been classified as Pathogenic.

Literature cited by the submitters: PubMed 23189188; PubMed 26974396; PubMed 28041643; PubMed 32323592.

NM_006744.4(RBP4):c.67C>T (p.Arg23Ter)

Gene: RBP4 (retinol binding protein 4; minus strand). Cytogenetic location: 10q23.33.
Variant type: single nucleotide variant.
Coding change: c.67C>T on transcript NM_006744.4 (MANE Select); coding-DNA position 67, C replaced by T.
Protein change: p.Arg23Ter; replaces arginine 23 with a stop codon.
Molecular consequence: nonsense.
Genome position (GRCh38, 1-based): chr10:93,600,962, G>A on the plus strand (C>T on the coding strand, the complement: RBP4 is on the minus strand). VCF-style: chr10-93600962-G-A. GRCh37 (hg19) VCF-style: chr10-95360719-G-A.
Other names: c.67C>T, p.Arg23Ter (NM_001323517.1); c.61C>T, p.Arg21Ter (NM_001323518.2); short protein forms R23*, R21*.
Identifiers: ClinVar variation 1453574 (VCV001453574.5), dbSNP rs1259782555, ClinGen allele CA377618812.